The following is an entry in ClinVar:

NM_004560.4(ROR2):c.623C>T (p.Ala208Val)

Gene: ROR2 (receptor tyrosine kinase like orphan receptor 2; minus strand). Cytogenetic location: 9q22.31.
Variant type: single nucleotide variant.
Coding change: c.623C>T on transcript NM_004560.4 (MANE Select); coding-DNA position 623, C replaced by T.
Protein change: p.Ala208Val; replaces alanine 208 with valine.
Molecular consequence: missense variant.
Genome position (GRCh38, 1-based): chr9:91,733,436, G>A on the plus strand (C>T on the coding strand, the complement: ROR2 is on the minus strand). VCF-style: chr9-91733436-G-A. GRCh37 (hg19) VCF-style: chr9-94495718-G-A.
Other names: c.623C>T, p.Ala208Val (NM_001318204.2); short protein forms A208V.
Identifiers: ClinVar variation 2136787 (VCV002136787.4), dbSNP rs747862665, ClinGen allele CA5120934.
Genomic context (GRCh38, chr9:91,733,436, plus strand): 5'-ATGGCGAACTGTGAGCACTGGTCCGACAGGTGCGTAGACGTGCCGATCATGGTGAAGGCC[G>A]CTGCAGAGCCCGCGAGACTCGCGTTAGCGGGGGACCCACCTTGCGCCCTTGACATTCATC-3'
Protein context (NP_004551.2, residues 198-218): MQGEIENRIT[Ala208Val]AFTMIGTSTH

ClinVar aggregate classification (germline): Uncertain significance (1 of 4 stars; one submission).

Allele frequency attached by ClinVar (database versions not stated): gnomAD 0.00002; gnomAD exomes 0.00004; ExAC 0.00005; TOPMed 0.00005.
gnomAD v4.1: 61 of 1,609,732 alleles (0.0038%); highest among the groups gnomAD compares: South Asian, 0.011%; 1 homozygote.

Submission:

Labcorp Genetics (formerly Invitae), Labcorp
Classification: Uncertain significance. Last evaluated: 2025-08-11. Review status: criteria provided, single submitter. Criteria: Invitae Variant Classification Sherloc (09022015). Collection method: clinical testing. Allele origin: germline.
Comment: This sequence change replaces alanine, which is neutral and non-polar, with valine, which is neutral and non-polar, at codon 208 of the ROR2 protein (p.Ala208Val). This variant is present in population databases (rs747862665, gnomAD 0.01%), including at least one homozygous and/or hemizygous individual. This variant has not been reported in the literature in individuals affected with ROR2-related conditions. ClinVar contains an entry for this variant (Variation ID: 2136787). An algorithm developed to predict the effect of missense changes on protein structure and function (PolyPhen-2) suggests that this variant is likely to be disruptive. In summary, the available evidence is currently insufficient to determine the role of this variant in disease. Therefore, it has been classified as a Variant of Uncertain Significance.